The following is an entry in ClinVar:

ClinVar aggregate classification (germline): Likely benign. Review status: criteria provided, multiple submitters, no conflicts (2 of 4 stars). 3 submissions from 3 submitters: Likely benign (3). Last evaluated 2024-08-29.

Conditions:
Cardiomyopathy (CMYO). Also called: Cardiomyopathies. Identifiers: Orphanet 167848, MedGen C0878544, MONDO:0004994, HP:0001638. Inheritance: Various modes of inheritance.
Hypertrophic cardiomyopathy. Also called: HYPERTROPHIC MYOCARDIOPATHY. Identifiers: Orphanet 217569, MedGen C0007194, MeSH D002312, MONDO:0005045, HP:0001639.

Allele frequency attached by ClinVar (database versions not stated): gnomAD exomes below 0.00001.
gnomAD v4.1: 3 of 1,596,424 alleles (0.00019%); highest among the groups gnomAD compares: Middle Eastern, 0.017%; no homozygotes.

Submissions (3):

All of Us Research Program, National Institutes of Health
Classification: Likely benign for Hypertrophic cardiomyopathy. Last evaluated: 2024-08-29. Review status: criteria provided, single submitter. Criteria: ACMG Guidelines, 2015. Collection method: clinical testing. Allele origin: germline. Inheritance: Autosomal dominant inheritance. Observed: 1 variant allele, 1 heterozygote.
Comment: This study involves interpretation of variants in research participants for the purpose of population health screening. Participant phenotype was not available at the time of variant classification. Additional details can be found in publication PMID: 35346344, PMCID: PMC8962531

Labcorp Genetics (formerly Invitae), Labcorp
Classification: Likely benign for Hypertrophic cardiomyopathy. Last evaluated: 2022-01-05. Review status: criteria provided, single submitter. Criteria: Invitae Variant Classification Sherloc (09022015). Collection method: clinical testing. Allele origin: germline.

Color Diagnostics, LLC DBA Color Health
Classification: Likely benign for Cardiomyopathy. Last evaluated: 2019-12-03. Review status: criteria provided, single submitter. Criteria: ACMG Guidelines, 2015. Collection method: clinical testing. Allele origin: germline.

NM_000256.3(MYBPC3):c.63G>A (p.Val21=)

Gene: MYBPC3 (myosin binding protein C3; minus strand). Cytogenetic location: 11p11.2.
Variant type: single nucleotide variant.
Coding change: c.63G>A on transcript NM_000256.3 (MANE Select); coding-DNA position 63, G replaced by A.
Protein change: p.Val21=; no amino-acid change (valine 21 retained).
Molecular consequence: synonymous variant.
Genome position (GRCh38, 1-based): chr11:47,351,468, C>T on the plus strand (G>A on the coding strand, the complement: MYBPC3 is on the minus strand). VCF-style: chr11-47351468-C-T. GRCh37 (hg19) VCF-style: chr11-47373019-C-T.
Identifiers: ClinVar variation 919238 (VCV000919238.7), dbSNP rs2095900994, ClinGen allele CA474429893.